The following is an entry in ClinVar:

NC_000009.12:g.(?_127824294)_(127825367_?)dup

Gene: ENG (endoglin; minus strand). Cytogenetic location: 9q34.11.
Variant type: Duplication.
Identifiers: ClinVar variation 831423 (VCV000831423.7).

ClinVar aggregate classification (germline): Likely pathogenic (1 of 4 stars; one submission).

Conditions:
Hereditary hemorrhagic telangiectasia (HHT). Also called: ORW DISEASE; Osler Weber Rendu syndrome; OSLER-RENDU-WEBER DISEASE; Osler hemorrhagic telangiectasia syndrome. Identifiers: Orphanet 774, MedGen C0039445, MONDO:0019180. Disease mechanism: loss of function.

Submission:

Labcorp Genetics (formerly Invitae), Labcorp
Classification: Likely pathogenic for Hereditary hemorrhagic telangiectasia. Last evaluated: 2020-02-09. Review status: criteria provided, single submitter. Criteria: Invitae Variant Classification Sherloc (09022015). Collection method: clinical testing. Allele origin: germline.
Comment: In summary, the currently available evidence indicates that the variant is pathogenic, but additional data are needed to prove that conclusively. Therefore, this variant has been classified as Likely Pathogenic. Loss-of-function variants in ENG are known to be pathogenic (PMID: 15879500, 20656886, 22385575). This variant has not been reported in the literature in individuals with ENG-related conditions. This variant results in a copy number gain of the genomic region encompassing exons 6-8 of the ENG gene. While the exact position of this variant cannot be determined from this data, sub-genic copy number gains are generally in tandem (PMID: 25640679) and may result in an absent or disrupted protein product.

Literature cited by the submitters: PubMed 15879500; PubMed 20656886; PubMed 22385575; PubMed 25640679.